The following is an entry in ClinVar:

NM_182914.3(SYNE2):c.1384A>G (p.Lys462Glu)

Gene: SYNE2 (spectrin repeat containing nuclear envelope protein 2; plus strand). Cytogenetic location: 14q23.2.
Variant type: single nucleotide variant.
Coding change: c.1384A>G on transcript NM_182914.3 (MANE Select); coding-DNA position 1384, A replaced by G.
Protein change: p.Lys462Glu; replaces lysine 462 with glutamic acid.
Molecular consequence: missense variant.
Genome position (GRCh38, 1-based): chr14:63,977,995, A>G. VCF-style: chr14-63977995-A-G. GRCh37 (hg19) VCF-style: chr14-64444713-A-G.
Other names: c.1384A>G, p.Lys462Glu (NM_015180.6); short protein forms K462E.
Identifiers: ClinVar variation 538348 (VCV000538348.9), dbSNP rs753039223, ClinGen allele CA7219419.

ClinVar aggregate classification (germline): Uncertain significance (1 of 4 stars; one submission).

Conditions:
Emery-Dreifuss muscular dystrophy 5, autosomal dominant (EDMD5). Also called: EMERY-DREIFUSS MUSCULAR DYSTROPHY 5. Identifiers: Orphanet 261, MedGen C2751805, MONDO:0013072, OMIM 612999.

Allele frequency attached by ClinVar (database versions not stated): ExAC 0.00001; gnomAD 0.00001; gnomAD exomes 0.00002.
gnomAD v4.1: 29 of 1,611,204 alleles (0.0018%); highest among the groups gnomAD compares: Non-Finnish European, 0.0024%; no homozygotes.

Submission:

Labcorp Genetics (formerly Invitae), Labcorp
Classification: Uncertain significance for Emery-Dreifuss muscular dystrophy 5, autosomal dominant. Last evaluated: 2024-04-17. Review status: criteria provided, single submitter. Criteria: Invitae Variant Classification Sherloc (09022015). Collection method: clinical testing. Allele origin: germline.
Comment: This sequence change replaces lysine, which is basic and polar, with glutamic acid, which is acidic and polar, at codon 462 of the SYNE2 protein (p.Lys462Glu). This variant is present in population databases (rs753039223, gnomAD 0.004%). This variant has not been reported in the literature in individuals affected with SYNE2-related conditions. ClinVar contains an entry for this variant (Variation ID: 538348). An algorithm developed to predict the effect of missense changes on protein structure and function (PolyPhen-2) suggests that this variant is likely to be disruptive. In summary, the available evidence is currently insufficient to determine the role of this variant in disease. Therefore, it has been classified as a Variant of Uncertain Significance.